The following is an entry in ClinVar:

NM_016128.4(COPG1):c.1932G>A (p.Thr644=)

Gene: COPG1 (coat protein complex I subunit gamma 1; plus strand). Cytogenetic location: 3q21.3.
Variant type: single nucleotide variant.
Coding change: c.1932G>A on transcript NM_016128.4 (MANE Select); coding-DNA position 1932, G replaced by A.
Protein change: p.Thr644=; no amino-acid change (threonine 644 retained).
Molecular consequence: synonymous variant.
Genome position (GRCh38, 1-based): chr3:129,271,855, G>A. VCF-style: chr3-129271855-G-A. GRCh37 (hg19) VCF-style: chr3-128990698-G-A.
Identifiers: ClinVar variation 3067506 (VCV003067506.21), dbSNP rs563330778, ClinGen allele CA2604030.

ClinVar aggregate classification (germline): Likely benign (1 of 4 stars; one submission).

Allele frequency attached by ClinVar (database versions not stated): gnomAD exomes below 0.00001; ExAC 0.00001; 1000 Genomes Project 30x 0.00016; 1000 Genomes Project 0.00020.
gnomAD v4.1: 5 of 1,614,168 alleles (0.00031%); highest among the groups gnomAD compares: Non-Finnish European, 0.00034%; no homozygotes.

Submission:

CeGaT Center for Human Genetics Tuebingen
Classification: Likely benign. Last evaluated: 2024-03-01. Review status: criteria provided, single submitter. Criteria: CeGaT Center For Human Genetics Tuebingen Variant Classification Criteria Version 2. Collection method: clinical testing. Allele origin: germline. Affected: yes. Observed: 1 variant allele.
Comment: COPG1: BP4, BP7